The following is an entry in ClinVar:

NM_001165963.4(SCN1A):c.3337G>A (p.Val1113Met)

Genes: SCN1A (sodium voltage-gated channel alpha subunit 1; minus strand), LOC102724058 (uncharacterized LOC102724058; plus strand). Cytogenetic location: 2q24.3.
Variant type: single nucleotide variant.
Coding change: c.3337G>A on transcript NM_001165963.4 (MANE Select); coding-DNA position 3337, G replaced by A.
Protein change: p.Val1113Met; replaces valine 1113 with methionine.
Molecular consequence: missense variant. On other transcripts: non-coding transcript variant (2).
Genome position (GRCh38, 1-based): chr2:166,036,140, C>T on the plus strand (G>A on the coding strand, the complement: SCN1A is on the minus strand). VCF-style: chr2-166036140-C-T. GRCh37 (hg19) VCF-style: chr2-166892650-C-T.
Other names: c.3253G>A, p.Val1085Met (NM_001165964.3, NM_001353957.2, NM_001353958.2); c.3337G>A, p.Val1113Met (NM_001202435.3, NM_001353948.2); c.3304G>A, p.Val1102Met (NM_001353949.2, NM_001353950.2, NM_001353951.2 and 2 more transcripts); c.3301G>A, p.Val1101Met (NM_001353954.2, NM_001353955.2); c.3250G>A, p.Val1084Met (NM_001353960.2); c.895G>A, p.Val299Met (NM_001353961.2); c.3337G>A (NM_001165963.1); short protein forms V1085M, V299M, V1084M, V1113M, V1101M, V1102M.
Identifiers: ClinVar variation 2955910 (VCV002955910.6), dbSNP rs1331336011, ClinGen allele CA349059274.

ClinVar aggregate classification (germline): Uncertain significance. Review status: criteria provided, multiple submitters, no conflicts (2 of 4 stars). 3 submissions from 3 submitters: Uncertain significance (3). Last evaluated 2025-11-14.

Conditions:
Inborn genetic diseases. Identifiers: MedGen C0950123, MeSH D030342.
Early-infantile DEE. Also called: Early infantile epileptic encephalopathy; Early infantile epileptic encephalopathy with suppression bursts; Ohtahara syndrome. Identifiers: Orphanet 1934, MedGen C0393706, MONDO:0800491.

Allele frequency attached by ClinVar (database versions not stated): gnomAD exomes below 0.00001; TOPMed below 0.00001.
gnomAD v4.1: 1 of 1,614,000 alleles (0.000062%); highest among the groups gnomAD compares: Non-Finnish European, 0.000085%; no homozygotes.

Submissions (3):

GeneDx
Classification: Uncertain significance. Last evaluated: 2025-11-14. Review status: criteria provided, single submitter. Criteria: GeneDx Variant Classification Process June 2021. Collection method: clinical testing. Allele origin: germline.
Comment: Reported in a patient with epilepsy; however, detailed clinical information and familial segregation information were not provided (PMID: 34689486); This substitution is predicted to be in the cytoplasmic loop between the second and third homologous domains; In silico analysis supports that this missense variant has a deleterious effect on protein structure/function; Not observed at significant frequency in large population cohorts (gnomAD); This variant is associated with the following publications: (PMID: 34689486)

Ambry Genetics
Classification: Uncertain significance for Inborn genetic diseases. Last evaluated: 2024-07-31. Review status: criteria provided, single submitter. Criteria: Ambry Variant Classification Scheme 2023. Collection method: clinical testing. Allele origin: germline.

Labcorp Genetics (formerly Invitae), Labcorp
Classification: Uncertain significance for Early-infantile DEE. Last evaluated: 2022-11-10. Review status: criteria provided, single submitter. Criteria: Invitae Variant Classification Sherloc (09022015). Collection method: clinical testing. Allele origin: germline.
Comment: Advanced modeling of protein sequence and biophysical properties (such as structural, functional, and spatial information, amino acid conservation, physicochemical variation, residue mobility, and thermodynamic stability) performed at Invitae indicates that this missense variant is expected to disrupt SCN1A protein function. In summary, the available evidence is currently insufficient to determine the role of this variant in disease. Therefore, it has been classified as a Variant of Uncertain Significance. This sequence change replaces valine, which is neutral and non-polar, with methionine, which is neutral and non-polar, at codon 1113 of the SCN1A protein (p.Val1113Met). This variant has not been reported in the literature in individuals affected with SCN1A-related conditions. This variant is not present in population databases (gnomAD no frequency).